The following is an entry in ClinVar:

ClinVar aggregate classification (germline): Conflicting classifications of pathogenicity. Review status: criteria provided, conflicting classifications (1 of 4 stars). 2 submissions from 2 submitters: Uncertain significance (1); Likely benign (1). Last evaluated 2026-02-23.

Allele frequency attached by ClinVar (database versions not stated): gnomAD 0.00001; ExAC 0.00001.

Submissions (2):

GeneDx
Classification: Uncertain significance. Last evaluated: 2026-02-23. Review status: criteria provided, single submitter. Criteria: GeneDx Variant Classification Process June 2021. Collection method: clinical testing. Allele origin: germline.
Comment: Not observed at significant frequency in large population cohorts (gnomAD); In silico analysis supports that this missense variant has a deleterious effect on protein structure/function; Has not been previously published as pathogenic or benign to our knowledge; Not located in the triple helical region, where the majority of pathogenic missense variants occur (HGMD; PMID: 25240749); This variant is associated with the following publications: (PMID: 25240749)

Labcorp Genetics (formerly Invitae), Labcorp
Classification: Likely benign. Last evaluated: 2023-04-25. Review status: criteria provided, single submitter. Criteria: Invitae Variant Classification Sherloc (09022015). Collection method: clinical testing. Allele origin: germline.

NM_001854.4(COL11A1):c.1438C>T (p.Pro480Ser)

Gene: COL11A1 (collagen type XI alpha 1 chain; minus strand). Cytogenetic location: 1p21.1.
Variant type: single nucleotide variant.
Coding change: c.1438C>T on transcript NM_001854.4 (MANE Select); coding-DNA position 1438, C replaced by T.
Protein change: p.Pro480Ser; replaces proline 480 with serine.
Molecular consequence: missense variant. On other transcripts: non-coding transcript variant (1).
Genome position (GRCh38, 1-based): chr1:103,015,718, G>A on the plus strand (C>T on the coding strand, the complement: COL11A1 is on the minus strand). VCF-style: chr1-103015718-G-A. GRCh37 (hg19) VCF-style: chr1-103481274-G-A.
Other names: c.1438C>T (NM_001854.3); c.1090C>T, p.Pro364Ser (NM_001168249.1, NM_080630.4); c.1321C>T, p.Pro441Ser (NM_001190709.2); c.1474C>T, p.Pro492Ser (NM_080629.3); short protein forms P364S, P492S, P441S, P480S.
Identifiers: ClinVar variation 2033759 (VCV002033759.6), dbSNP rs777428839, ClinGen allele CA974977.
Genomic context (GRCh38, chr1:103,015,718, plus strand): 5'-AAGAACATACCGGTAACATCAACATAGTACCAGGAGGACCAGGTAGACCATCAGCCCCTG[G>A]TAAGCCAGGACGTCCTGGGGGGCCCTAGAAAAATAAATGAAATAACCAAAATAAATAAAT-3'
Protein context (NP_001845.3, residues 470-490): DRGPPGRPGL[Pro480Ser]GADGLPGPPG